The following is an entry in ClinVar:

NM_000426.4(LAMA2):c.5752T>A (p.Ser1918Thr)

Gene: LAMA2 (laminin subunit alpha 2; plus strand). Cytogenetic location: 6q22.33.
Variant type: single nucleotide variant.
Coding change: c.5752T>A on transcript NM_000426.4 (MANE Select); coding-DNA position 5752, T replaced by A.
Protein change: p.Ser1918Thr; replaces serine 1918 with threonine.
Molecular consequence: missense variant.
Genome position (GRCh38, 1-based): chr6:129,403,846, T>A. VCF-style: chr6-129403846-T-A. GRCh37 (hg19) VCF-style: chr6-129724991-T-A.
Other names: c.5752T>A, p.Ser1918Thr (NM_001079823.2); short protein forms S1918T.
Identifiers: ClinVar variation 2433354 (VCV002433354.4), dbSNP rs1210657779, ClinGen allele CA365616928.

ClinVar aggregate classification (germline): Uncertain significance. Review status: criteria provided, multiple submitters, no conflicts (2 of 4 stars). 2 submissions from 2 submitters: Uncertain significance (2). Last evaluated 2024-01-28.

Allele frequency attached by ClinVar (database versions not stated): gnomAD 0.00001; gnomAD exomes 0.00001; TOPMed 0.00001.
gnomAD v4.1: 12 of 1,613,626 alleles (0.00074%); highest among the groups gnomAD compares: Non-Finnish European, 0.00093%; no homozygotes.

Submissions (2):

GeneDx
Classification: Uncertain significance. Last evaluated: 2024-01-28. Review status: criteria provided, single submitter. Criteria: GeneDx Variant Classification Process June 2021. Collection method: clinical testing. Allele origin: germline. Affected: yes.
Comment: Not observed at significant frequency in large population cohorts (gnomAD); In silico analysis supports that this missense variant does not alter protein structure/function; Has not been previously published as pathogenic or benign to our knowledge

Revvity Omics, Revvity
Classification: Uncertain significance. Last evaluated: 2020-12-28. Review status: criteria provided, single submitter. Criteria: ACMG Guidelines, 2015. Collection method: clinical testing. Allele origin: germline.